The following is an entry in ClinVar:

NM_007254.4(PNKP):c.1322C>T (p.Ala441Val)

Gene: PNKP (polynucleotide kinase 3'-phosphatase; minus strand). Cytogenetic location: 19q13.33.
Variant type: single nucleotide variant.
Coding change: c.1322C>T on transcript NM_007254.4 (MANE Select); coding-DNA position 1322, C replaced by T.
Protein change: p.Ala441Val; replaces alanine 441 with valine.
Molecular consequence: missense variant.
Genome position (GRCh38, 1-based): chr19:49,861,672, G>A on the plus strand (C>T on the coding strand, the complement: PNKP is on the minus strand). VCF-style: chr19-49861672-G-A. GRCh37 (hg19) VCF-style: chr19-50364929-G-A.
Other names: c.1322C>T (NM_007254.3); short protein forms A441V.
Identifiers: ClinVar variation 999597 (VCV000999597.5), dbSNP rs549000007, ClinGen allele CA9586454.

ClinVar aggregate classification (germline): Uncertain significance. Review status: criteria provided, multiple submitters, no conflicts (2 of 4 stars). 2 submissions from 2 submitters: Uncertain significance (2). Last evaluated 2025-10-01.

Conditions:
Inborn genetic diseases. Identifiers: MedGen C0950123, MeSH D030342.
Developmental and epileptic encephalopathy, 12 (DEE12). Identifiers: MedGen C3150988, MONDO:0013389, OMIM 613722.

Allele frequency attached by ClinVar (database versions not stated): TOPMed 0.00001.
gnomAD v4.1: 10 of 1,547,460 alleles (0.00065%); highest among the groups gnomAD compares: Admixed American, 0.0039%; no homozygotes.

Submissions (2):

Ambry Genetics
Classification: Uncertain significance for Inborn genetic diseases. Last evaluated: 2025-10-01. Review status: criteria provided, single submitter. Criteria: Ambry Variant Classification Scheme 2023. Collection method: clinical testing. Allele origin: germline.

Labcorp Genetics (formerly Invitae), Labcorp
Classification: Uncertain significance for Developmental and epileptic encephalopathy, 12. Last evaluated: 2022-09-01. Review status: criteria provided, single submitter. Criteria: Invitae Variant Classification Sherloc (09022015). Collection method: clinical testing. Allele origin: germline.
Comment: This sequence change replaces alanine, which is neutral and non-polar, with valine, which is neutral and non-polar, at codon 441 of the PNKP protein (p.Ala441Val). This variant is present in population databases (rs549000007, gnomAD 0.008%). This variant has not been reported in the literature in individuals affected with PNKP-related conditions. Algorithms developed to predict the effect of missense changes on protein structure and function (SIFT, PolyPhen-2, Align-GVGD) all suggest that this variant is likely to be tolerated. In summary, the available evidence is currently insufficient to determine the role of this variant in disease. Therefore, it has been classified as a Variant of Uncertain Significance.